The following is an entry in ClinVar:

ClinVar aggregate classification (germline): Uncertain significance. Review status: criteria provided, multiple submitters, no conflicts (2 of 4 stars). 2 submissions from 2 submitters: Uncertain significance (2). Last evaluated 2024-12-01.

Conditions:
Inborn genetic diseases. Identifiers: MedGen C0950123, MeSH D030342.

Allele frequency attached by ClinVar (database versions not stated): gnomAD exomes 0.00009; TOPMed 0.00010; 1000 Genomes Project 0.00020; 1000 Genomes Project 30x 0.00031; ExAC 0.00007; gnomAD 0.00013.
gnomAD v4.1: 157 of 1,614,122 alleles (0.0097%); highest among the groups gnomAD compares: Middle Eastern, 0.033%; no homozygotes.

Submissions (2):

CeGaT Center for Human Genetics Tuebingen
Classification: Uncertain significance. Last evaluated: 2024-12-01. Review status: criteria provided, single submitter. Criteria: CeGaT Center For Human Genetics Tuebingen Variant Classification Criteria Version 2. Collection method: clinical testing. Allele origin: germline. Affected: yes. Observed: 1 variant allele.
Comment: VPS16: PM2

Ambry Genetics
Classification: Uncertain significance for Inborn genetic diseases. Last evaluated: 2022-09-06. Review status: criteria provided, single submitter. Criteria: Ambry Variant Classification Scheme 2023. Collection method: clinical testing. Allele origin: germline.

NM_022575.4(VPS16):c.1928G>A (p.Arg643His)

Genes: PTPRA (protein tyrosine phosphatase receptor type A; plus strand), VPS16 (VPS16 core subunit of CORVET and HOPS complexes; plus strand). Cytogenetic location: 20p13.
Variant type: single nucleotide variant.
Coding change: c.1928G>A on transcript NM_022575.4 (MANE Select); coding-DNA position 1928, G replaced by A.
Protein change: p.Arg643His; replaces arginine 643 with histidine.
Molecular consequence: missense variant. On other transcripts: 5 prime UTR variant (1).
Genome position (GRCh38, 1-based): chr20:2,864,979, G>A. VCF-style: chr20-2864979-G-A. GRCh37 (hg19) VCF-style: chr20-2845625-G-A.
Other names: c.-375G>A (NM_002836.4); c.1496G>A, p.Arg499His (NM_080413.3); short protein forms R499H, R643H.
Identifiers: ClinVar variation 3188836 (VCV003188836.14), dbSNP rs200082873, ClinGen allele CA9737932.